The following is an entry in ClinVar:

ClinVar aggregate classification (germline): Benign/Likely benign. Review status: criteria provided, multiple submitters, no conflicts (2 of 4 stars). 5 submissions from 5 submitters: Benign (2); Likely benign (3). Last evaluated 2026-08-02.

Conditions:
Hereditary pheochromocytoma and paraganglioma. Also called: Hereditary paragangliomas and pheochromocytomas; Hereditary Paraganglioma-Pheochromocytoma Syndromes; Hereditary pheochromocytoma-paraganglioma. Identifiers: Orphanet 29072, MedGen C4274332, MONDO:0017366.
Pheochromocytoma. Also called: MAX-Related Hereditary Paraganglioma-Pheochromocytoma Syndrome. Identifiers: Orphanet 29072, MedGen C0031511, MONDO:0008233, OMIM 171300, HP:0002666.
Hereditary cancer-predisposing syndrome. Also called: Tumor predisposition; Neoplastic Syndromes, Hereditary; Hereditary Cancer Syndrome; Hereditary neoplastic syndrome. Identifiers: Orphanet 140162, MedGen C0027672, MeSH D009386, MONDO:0015356.
TMEM127-related disorder. Also called: TMEM127-related condition.

Allele frequency attached by ClinVar (database versions not stated): gnomAD 0.00004 and 0.00003; ExAC 0.00005; gnomAD exomes 0.00014 and 0.00007; TOPMed 0.00011.
gnomAD v4.1: 47 of 1,614,116 alleles (0.0029%); highest among the groups gnomAD compares: Admixed American, 0.075%; no homozygotes.

Submissions (5):

PreventionGenetics, part of Exact Sciences
Classification: Likely benign for TMEM127-related condition. Last evaluated: 2026-08-02. Review status: criteria provided, single submitter. Criteria: ACMG Guidelines, 2015. Collection method: clinical testing. Allele origin: germline.
Comment: This variant is classified as likely benign based on ACMG/AMP sequence variant interpretation guidelines (Richards et al. 2015 PMID: 25741868, with internal and published modifications).

Myriad Genetics, Inc.
Classification: Benign for Hereditary pheochromocytoma and paraganglioma. Last evaluated: 2026-07-29. Review status: criteria provided, single submitter. Criteria: Myriad Autosomal Dominant, Autosomal Recessive and X-Linked Classification Criteria (2023). Collection method: clinical testing. Allele origin: unknown.
Comment: This variant is considered benign. This variant is a silent/synonymous amino acid change and it is not expected to impact splicing.

Labcorp Genetics (formerly Invitae), Labcorp
Classification: Likely benign for Hereditary pheochromocytoma and paraganglioma. Last evaluated: 2026-01-13. Review status: criteria provided, single submitter. Criteria: Invitae Variant Classification Sherloc (09022015). Collection method: clinical testing. Allele origin: germline.

ARUP Laboratories, Molecular Genetics and Genomics, ARUP Laboratories
Classification: Benign for Pheochromocytoma. Last evaluated: 2025-07-23. Review status: criteria provided, single submitter. Criteria: ARUP Molecular Germline Variant Investigation Process 2024. Collection method: clinical testing. Allele origin: germline.

Ambry Genetics
Classification: Likely benign for Hereditary cancer-predisposing syndrome. Last evaluated: 2015-02-25. Review status: criteria provided, single submitter. Criteria: Ambry Variant Classification Scheme 2023. Collection method: clinical testing. Allele origin: germline.

NM_017849.4(TMEM127):c.270G>T (p.Val90=)

Gene: TMEM127 (transmembrane protein 127; minus strand). Cytogenetic location: 2q11.2.
Variant type: single nucleotide variant.
Coding change: c.270G>T on transcript NM_017849.4 (MANE Select); coding-DNA position 270, G replaced by T.
Protein change: p.Val90=; no amino-acid change (valine 90 retained).
Molecular consequence: synonymous variant.
Genome position (GRCh38, 1-based): chr2:96,254,972, C>A on the plus strand (G>T on the coding strand, the complement: TMEM127 is on the minus strand). VCF-style: chr2-96254972-C-A. GRCh37 (hg19) VCF-style: chr2-96920710-C-A.
Other names: c.270G>T, p.Val90= (NM_001193304.3).
Identifiers: ClinVar variation 486537 (VCV000486537.19), dbSNP rs748896126, ClinGen allele CA1777363.